The following is an entry in ClinVar:

NM_000384.3(APOB):c.4821G>T (p.Glu1607Asp)

Gene: APOB (apolipoprotein B; minus strand). Cytogenetic location: 2p24.1.
Variant type: single nucleotide variant.
Coding change: c.4821G>T on transcript NM_000384.3 (MANE Select); coding-DNA position 4821, G replaced by T.
Protein change: p.Glu1607Asp; replaces glutamic acid 1607 with aspartic acid.
Molecular consequence: missense variant.
Genome position (GRCh38, 1-based): chr2:21,012,047, C>A on the plus strand (G>T on the coding strand, the complement: APOB is on the minus strand). VCF-style: chr2-21012047-C-A. GRCh37 (hg19) VCF-style: chr2-21234919-C-A.
Other names: short protein forms E1607D.
Identifiers: ClinVar variation 4613690 (VCV004613690.1).

ClinVar aggregate classification (germline): Uncertain significance (1 of 4 stars; one submission).

Conditions:
Cardiovascular phenotype. Identifiers: MedGen CN230736.

gnomAD v4.1: 2 of 1,614,096 alleles (0.00012%); highest among the groups gnomAD compares: Admixed American, 0.0017%; no homozygotes.

Submission:

Ambry Genetics
Classification: Uncertain significance for Cardiovascular phenotype. Last evaluated: 2025-12-01. Review status: criteria provided, single submitter. Criteria: Ambry Variant Classification Scheme 2023. Collection method: clinical testing. Allele origin: germline.
Comment: The p.E1607D variant (also known as c.4821G>T), located in coding exon 26 of the APOB gene, results from a G to T substitution at nucleotide position 4821. The glutamic acid at codon 1607 is replaced by aspartic acid, an amino acid with highly similar properties. This amino acid position is conserved. In addition, this alteration is predicted to be tolerated by in silico analysis. Based on the available evidence, the clinical significance of this variant remains unclear.